The following is an entry in ClinVar:

NM_001035.3(RYR2):c.387T>G (p.Tyr129Ter)

Gene: RYR2 (ryanodine receptor 2; plus strand). Cytogenetic location: 1q43.
Variant type: single nucleotide variant.
Coding change: c.387T>G on transcript NM_001035.3 (MANE Select); coding-DNA position 387, T replaced by G.
Protein change: p.Tyr129Ter; replaces tyrosine 129 with a stop codon.
Molecular consequence: nonsense.
Genome position (GRCh38, 1-based): chr1:237,374,719, T>G. VCF-style: chr1-237374719-T-G. GRCh37 (hg19) VCF-style: chr1-237538019-T-G.
Other names: short protein forms Y129*.
Identifiers: ClinVar variation 4757180 (VCV004757180.1).

ClinVar aggregate classification (germline): Uncertain significance (1 of 4 stars; one submission).

Conditions:
Cardiomyopathy (CMYO). Also called: Cardiomyopathies. Identifiers: Orphanet 167848, MedGen C0878544, MONDO:0004994, HP:0001638. Inheritance: Various modes of inheritance.

Submission:

Color Diagnostics, LLC DBA Color Health
Classification: Uncertain significance for Cardiomyopathy. Last evaluated: 2025-06-26. Review status: criteria provided, single submitter. Criteria: ACMG Guidelines, 2015. Collection method: clinical testing. Allele origin: germline.
Comment: This variant changes 1 nucleotide in exon 7 of the RYR2 gene, creating a premature translation stop signal. This variant is expected to result in an absent or non-functional protein product. To our knowledge, this variant has not been reported in individuals affected with RYR2-related disorders in the literature. This variant has not been identified in the general population by the Genome Aggregation Database (gnomAD). Clinical relevance of loss-of-function RYR2 truncation variants in autosomal dominant cardiovascular disorders is not clearly established. The available evidence is insufficient to determine the role of this variant in disease conclusively. Therefore, this variant is classified as a Variant of Uncertain Significance.